The following is an entry in ClinVar:

ClinVar aggregate classification (germline): Likely pathogenic (1 of 4 stars; one submission).

Submission:

Dasa
Classification: Likely pathogenic. Last evaluated: 2024-12-11. Review status: criteria provided, single submitter. Criteria: DASA Assertion Criteria. Collection method: clinical testing. Allele origin: germline.
Comment: NM_001127222.2(CACNA1A):c.5625_5625+4del is a splice-region variant predicted to affect normal RNA splicing. This variant is absent from population databases. Based on the currently available evidence, this variant is classified as likely pathogenic.

NM_001127222.2(CACNA1A):c.5625_5625+4del

Gene: CACNA1A (calcium voltage-gated channel subunit alpha1 A; minus strand). Cytogenetic location: 19p13.13.
Variant type: Deletion.
Coding change: c.5625_5625+4del on transcript NM_001127222.2 (MANE Select); coding-DNA position 5625 through 4 bases into the intron after coding-DNA position 5625, 5 bases deleted (GGTAG; older notation c.5625_5625+4delGGTAG).
Molecular consequence: splice donor variant. On other transcripts: intron variant (1).
Genome position (GRCh38, 1-based): chr19:13,227,427-13,227,431, CTACC deleted on the plus strand (GGTAG on the coding strand, the reverse complement: CACNA1A is on the minus strand). VCF-style (leftmost placement, unchanged base first): chr19-13227426-TCTACC-T. GRCh37 (hg19) VCF-style: chr19-13338240-TCTACC-T.
Other names: c.5628+1268_5628+1272del (NM_001127221.2); c.5634_5634+4del (NM_001174080.2); c.5643_5643+4del (NM_000068.4, NM_023035.3).
Identifiers: ClinVar variation 4880766 (VCV004880766.2).